The following is an entry in ClinVar:

ClinVar aggregate classification (germline): Uncertain significance (1 of 4 stars; one submission).

Allele frequency attached by ClinVar (database versions not stated): TOPMed 0.00002; gnomAD 0.00003; ExAC 0.00004.
gnomAD v4.1: 40 of 1,601,248 alleles (0.0025%); highest among the groups gnomAD compares: Non-Finnish European, 0.0032%; no homozygotes.

Submission:

Labcorp Genetics (formerly Invitae), Labcorp
Classification: Uncertain significance. Last evaluated: 2022-07-30. Review status: criteria provided, single submitter. Criteria: Invitae Variant Classification Sherloc (09022015). Collection method: clinical testing. Allele origin: germline.
Comment: This sequence change creates a premature translational stop signal (p.Arg856*) in the FUK gene. It is expected to result in an absent or disrupted protein product. However, the current clinical and genetic evidence is not sufficient to establish whether loss-of-function variants in FUK cause disease. The frequency data for this variant in the population databases is considered unreliable, as metrics indicate poor data quality at this position in the gnomAD database. This variant has not been reported in the literature in individuals affected with FUK-related conditions. In summary, the available evidence is currently insufficient to determine the role of this variant in disease. Therefore, it has been classified as a Variant of Uncertain Significance.

NM_145059.3(FCSK):c.2566C>T (p.Arg856Ter)

Gene: FCSK (fucose kinase; plus strand). Cytogenetic location: 16q22.1.
Variant type: single nucleotide variant.
Coding change: c.2566C>T on transcript NM_145059.3 (MANE Select); coding-DNA position 2566, C replaced by T.
Protein change: p.Arg856Ter; replaces arginine 856 with a stop codon.
Molecular consequence: nonsense.
Genome position (GRCh38, 1-based): chr16:70,475,692, C>T. VCF-style: chr16-70475692-C-T. GRCh37 (hg19) VCF-style: chr16-70509595-C-T.
Other names: short protein forms R856*.
Identifiers: ClinVar variation 1930035 (VCV001930035.5), dbSNP rs766181080, ClinGen allele CA8143642.